The following is an entry in ClinVar:

NM_001272046.2(VWA2):c.1870G>A (p.Val624Ile)

Genes: AFAP1L2 (actin filament associated protein 1 like 2; minus strand), VWA2 (von Willebrand factor A domain containing 2; plus strand). Cytogenetic location: 10q25.3.
Variant type: single nucleotide variant.
Coding change: c.1870G>A on transcript NM_001272046.2 (MANE Select); coding-DNA position 1870, G replaced by A.
Protein change: p.Val624Ile; replaces valine 624 with isoleucine.
Molecular consequence: missense variant.
Genome position (GRCh38, 1-based): chr10:114,289,237, G>A. VCF-style: chr10-114289237-G-A. GRCh37 (hg19) VCF-style: chr10-116048996-G-A.
Other names: c.1870G>A, p.Val624Ile (NM_001320804.1); short protein forms V624I.
Identifiers: ClinVar variation 3060525 (VCV003060525.2), dbSNP rs376331052, ClinGen allele CA5700807.

ClinVar aggregate classification (germline): Uncertain significance (0 of 4 stars; one submission).

Conditions:
VWA2-related disorder. Also called: VWA2-related condition.

Allele frequency attached by ClinVar (database versions not stated): ExAC 0.00003; TOPMed 0.00003; gnomAD 0.00004; ESP Exome Variant Server 0.00008.
gnomAD v4.1: 25 of 1,613,788 alleles (0.0015%); highest among the groups gnomAD compares: South Asian, 0.0055%; no homozygotes.

Submission:

PreventionGenetics, part of Exact Sciences
Classification: Uncertain significance for VWA2-related condition. Last evaluated: 2024-02-14. Review status: no assertion criteria provided. Collection method: clinical testing. Allele origin: germline.
Comment: The VWA2 c.1870G>A variant is predicted to result in the amino acid substitution p.Val624Ile. To our knowledge, this variant has not been reported in the literature. This variant is reported in 0.0065% of alleles in individuals of South Asian descent in gnomAD. At this time, the clinical significance of this variant is uncertain due to the absence of conclusive functional and genetic evidence.